The following is an entry in ClinVar:

ClinVar aggregate classification (germline): Uncertain significance. Review status: criteria provided, multiple submitters, no conflicts (2 of 4 stars). 3 submissions from 3 submitters: Uncertain significance (3). Last evaluated 2026-08-27.

Conditions:
MAGEL2-related disorder. Also called: MAGEL2-related condition.
Inborn genetic diseases. Identifiers: MedGen C0950123, MeSH D030342.

Allele frequency attached by ClinVar (database versions not stated): ExAC 0.00001; ESP Exome Variant Server 0.00008.
gnomAD v4.1: 6 of 1,613,716 alleles (0.00037%); highest among the groups gnomAD compares: African/African-American, 0.008%; no homozygotes.

Submissions (3):

GeneDx
Classification: Uncertain significance. Last evaluated: 2026-08-27. Review status: criteria provided, single submitter. Criteria: GeneDx Variant Classification Process June 2021. Collection method: clinical testing. Allele origin: germline.
Comment: Not observed at significant frequency in large population cohorts (gnomAD); In silico analysis supports that this missense variant has a deleterious effect on protein structure/function; Has not been previously published as pathogenic or benign to our knowledge

PreventionGenetics, part of Exact Sciences
Classification: Uncertain significance for MAGEL2-related condition. Last evaluated: 2026-07-17. Review status: criteria provided, single submitter. Criteria: ACMG Guidelines, 2015. Collection method: clinical testing. Allele origin: germline.
Comment: The MAGEL2 c.3118C>G variant is predicted to result in the amino acid substitution p.Pro1040Ala. To our knowledge, this variant has not been reported in the literature or in a large population database, indicating this variant is rare. At this time, the clinical significance of this variant is uncertain due to the absence of conclusive functional and genetic evidence.

Ambry Genetics
Classification: Uncertain significance for Inborn genetic diseases. Last evaluated: 2024-09-30. Review status: criteria provided, single submitter. Criteria: Ambry Variant Classification Scheme 2023. Collection method: clinical testing. Allele origin: germline.

NM_019066.5(MAGEL2):c.3118C>G (p.Pro1040Ala)

Gene: MAGEL2 (MAGE family member L2; minus strand). Cytogenetic location: 15q11.2.
Variant type: single nucleotide variant.
Coding change: c.3118C>G on transcript NM_019066.5 (MANE Select); coding-DNA position 3118, C replaced by G.
Protein change: p.Pro1040Ala; replaces proline 1040 with alanine.
Molecular consequence: missense variant.
Genome position (GRCh38, 1-based): chr15:23,644,625, G>C on the plus strand (C>G on the coding strand, the complement: MAGEL2 is on the minus strand). VCF-style: chr15-23644625-G-C. GRCh37 (hg19) VCF-style: chr15-23889772-G-C.
Other names: short protein forms P1040A.
Identifiers: ClinVar variation 1703423 (VCV001703423.6), dbSNP rs374261657, ClinGen allele CA7429744.
Genomic context (GRCh38, chr15:23,644,625, plus strand): 5'-CTAAGCACTCATCTTTATACTCTCGGAGGATGACTTTCACCATCTCCGAGCGCTGGACAG[G>C]CACCTTGGCTTGGTCCTTGACTAAGAGGAACTGCACCAACGCATTTGCCCTCTCATCCAA-3'
Protein context (NP_061939.3, residues 1030-1050): FLLVKDQAKV[Pro1040Ala]VQRSEMVKVI